The following is an entry in ClinVar:

ClinVar aggregate classification (germline): Uncertain significance (1 of 4 stars; one submission).

Conditions:
Hereditary cancer-predisposing syndrome. Also called: Neoplastic Syndromes, Hereditary; Tumor predisposition; Hereditary Cancer Syndrome; Hereditary neoplastic syndrome. Identifiers: Orphanet 140162, MedGen C0027672, MeSH D009386, MONDO:0015356.

Submission:

Ambry Genetics
Classification: Uncertain significance for Hereditary cancer-predisposing syndrome. Last evaluated: 2026-03-31. Review status: criteria provided, single submitter. Criteria: Ambry Variant Classification Scheme 2023. Collection method: clinical testing. Allele origin: germline.
Comment: The p.P90A variant (also known as c.268C>G), located in coding exon 1 of the CHEK2 gene, results from a C to G substitution at nucleotide position 268. The proline at codon 90 is replaced by alanine, an amino acid with highly similar properties. This variant was reported as functional in a study assessing CHEK2-complementation through quantification of KAP1 phosphorylation and CHK2 autophosphorylation in human RPE1-CHEK2-knockout cells (Stolarova L et al. Clin Cancer Res, 2023 Aug;29:3037-3050). This amino acid position is highly conserved in available vertebrate species. In addition, the in silico prediction for this alteration is inconclusive. Based on the available evidence, the clinical significance of this variant remains unclear.

Literature cited by the submitters: PubMed 37449874.

NM_007194.4(CHEK2):c.268C>G (p.Pro90Ala)

Gene: CHEK2 (checkpoint kinase 2; minus strand). Cytogenetic location: 22q12.1.
Variant type: single nucleotide variant.
Coding change: c.268C>G on transcript NM_007194.4 (MANE Select); coding-DNA position 268, C replaced by G.
Protein change: p.Pro90Ala; replaces proline 90 with alanine.
Molecular consequence: missense variant. On other transcripts: 5 prime UTR variant (1), intron variant (1).
Genome position (GRCh38, 1-based): chr22:28,734,454, G>C on the plus strand (C>G on the coding strand, the complement: CHEK2 is on the minus strand). VCF-style: chr22-28734454-G-C. GRCh37 (hg19) VCF-style: chr22-29130442-G-C.
Other names: c.268C>G, p.Pro90Ala (NM_001005735.3, NM_001349956.3, NM_001438293.1 and 3 more transcripts); c.-510C>G (NM_001257387.3); c.-345+7315C>G (NM_001437942.1); short protein forms P90A.
Identifiers: ClinVar variation 4868923 (VCV004868923.1).